The following is an entry in ClinVar:

ClinVar aggregate classification (germline): Pathogenic (1 of 4 stars; one submission).

Conditions:
Ataxia-telangiectasia syndrome (AT). Also called: Ataxia-telangiectasia, complementation group E; ATAXIA-TELANGIECTASIA, COMPLEMENTATION GROUP A; ATAXIA-TELANGIECTASIA, FRESNO VARIANT; Ataxia-telangiectasia; LOUIS-BAR SYNDROME; Ataxia-telangiectasia, complementation group D. Identifiers: Orphanet 100, MedGen C0004135, MONDO:0008840, OMIM 208900.

Submission:

Labcorp Genetics (formerly Invitae), Labcorp
Classification: Pathogenic for Ataxia-telangiectasia syndrome. Last evaluated: 2022-10-31. Review status: criteria provided, single submitter. Criteria: Invitae Variant Classification Sherloc (09022015). Collection method: clinical testing. Allele origin: germline.
Comment: For these reasons, this variant has been classified as Pathogenic. This sequence change creates a premature translational stop signal (p.Ile487Phefs*9) in the ATM gene. It is expected to result in an absent or disrupted protein product. Loss-of-function variants in ATM are known to be pathogenic (PMID: 23807571, 25614872). This variant is not present in population databases (gnomAD no frequency). This variant has not been reported in the literature in individuals affected with ATM-related conditions.

Literature cited by the submitters: PubMed 23807571; PubMed 25614872.

NM_000051.4(ATM):c.1459del (p.Ile487fs)

Gene: ATM (ATM serine/threonine kinase; plus strand). Cytogenetic location: 11q22.3.
Variant type: Deletion.
Coding change: c.1459del on transcript NM_000051.4 (MANE Select); coding-DNA position 1459, one base deleted (A; older notation c.1459delA).
Protein change: p.Ile487fs; shifts the reading frame from isoleucine 487.
Molecular consequence: frameshift variant.
Genome position (GRCh38, 1-based): chr11:108,250,924, A deleted; the last of 4 consecutive A bases (chr11:108,250,921-108,250,924); deleting any one gives the same sequence. VCF-style (leftmost placement, unchanged base first): chr11-108250920-TA-T. GRCh37 (hg19) VCF-style: chr11-108121647-TA-T.
Other names: c.1459del, p.Ile487fs (NM_001351834.2); short protein forms I487fs.
Identifiers: ClinVar variation 2811088 (VCV002811088.3), dbSNP rs2135323409, ClinGen allele CA2725144023.